The following is an entry in ClinVar:

ClinVar aggregate classification (germline): Conflicting classifications of pathogenicity. Review status: criteria provided, conflicting classifications (1 of 4 stars). 2 submissions from 2 submitters: Uncertain significance (1); Likely benign (1). Last evaluated 2024-02-26.

Conditions:
Hereditary cancer-predisposing syndrome. Also called: Hereditary neoplastic syndrome; Hereditary Cancer Syndrome; Tumor predisposition; Neoplastic Syndromes, Hereditary. Identifiers: Orphanet 140162, MedGen C0027672, MeSH D009386, MONDO:0015356.

Submissions (2):

Quest Diagnostics Nichols Institute San Juan Capistrano
Classification: Uncertain significance. Last evaluated: 2024-02-26. Review status: criteria provided, single submitter. Criteria: Quest Diagnostics criteria. Collection method: clinical testing. Allele origin: unknown.
Comment: The BRCA2 c.2382G>T (p.Met794Ile) variant has been reported in the published literature in to be located in a region of the BRCA2 gene that is tolerant to missense sequence changes (PMID: 31911673 (2020)). To the best of our knowledge, this variant has not been reported in individuals with BRCA2-related disorders. This variant has not been reported in large, multi-ethnic general populations (Genome Aggregation Database). Analysis of this variant using bioinformatics tools for the prediction of the effect of amino acid changes on protein structure and function yielded predictions that this variant is benign. Based on the available information, we are unable to determine the clinical significance of this variant.

University of Washington Department of Laboratory Medicine, University of Washington
Classification: Likely benign for Hereditary cancer-predisposing syndrome. Last evaluated: 2023-03-23. Review status: criteria provided, single submitter. Criteria: Dines et al. (Genet Med. 2020). Collection method: curation. Allele origin: germline.
Comment: Missense variant in a coldspot region where missense variants are very unlikely to be pathogenic (PMID:31911673).

BRCA2 exon 11 coldspot. Reclassification based on statistical prior probability.

Literature cited by the submitters: PubMed 31911673 (cited by Quest Diagnostics Nichols Institute San Juan Capistrano).

NM_000059.4(BRCA2):c.2382G>T (p.Met794Ile)

Gene: BRCA2 (BRCA2 DNA repair associated; plus strand). Cytogenetic location: 13q13.1.
Variant type: single nucleotide variant.
Coding change: c.2382G>T on transcript NM_000059.4 (MANE Select); coding-DNA position 2382, G replaced by T.
Protein change: p.Met794Ile; replaces methionine 794 with isoleucine.
Molecular consequence: missense variant.
Genome position (GRCh38, 1-based): chr13:32,336,737, G>T. VCF-style: chr13-32336737-G-T. GRCh37 (hg19) VCF-style: chr13-32910874-G-T.
Other names: short protein forms M794I.
Identifiers: ClinVar variation 438959 (VCV000438959.5), dbSNP rs1555282646, ClinGen allele CA387771857.